The following is an entry in ClinVar:

NM_018475.5(TMEM165):c.731C>T (p.Thr244Ile)

Gene: TMEM165 (transmembrane protein 165; plus strand). Cytogenetic location: 4q12.
Variant type: single nucleotide variant.
Coding change: c.731C>T on transcript NM_018475.5 (MANE Select); coding-DNA position 731, C replaced by T.
Protein change: p.Thr244Ile; replaces threonine 244 with isoleucine.
Molecular consequence: missense variant. On other transcripts: non-coding transcript variant (1).
Genome position (GRCh38, 1-based): chr4:55,417,924, C>T. VCF-style: chr4-55417924-C-T. GRCh37 (hg19) VCF-style: chr4-56284091-C-T.
Other names: c.731C>T (NM_018475.3); short protein forms T244I.
Identifiers: ClinVar variation 1503858 (VCV001503858.9), dbSNP rs371595670, ClinGen allele CA2925573.

ClinVar aggregate classification (germline): Uncertain significance. Review status: criteria provided, multiple submitters, no conflicts (2 of 4 stars). 2 submissions from 2 submitters: Uncertain significance (2). Last evaluated 2023-08-17.

Conditions:
TMEM165-congenital disorder of glycosylation. Also called: TMEM165-CDG; CDG IIk; Congenital disorder of glycosylation type 2k. Identifiers: Orphanet 314667, MedGen C3553571, MONDO:0013870, OMIM 614727.

Allele frequency attached by ClinVar (database versions not stated): ExAC 0.00002; gnomAD 0.00002; TOPMed 0.00002; gnomAD exomes 0.00003; ESP Exome Variant Server 0.00008.
gnomAD v4.1: 111 of 1,613,906 alleles (0.0069%); highest among the groups gnomAD compares: Non-Finnish European, 0.0091%; no homozygotes.

Submissions (2):

Labcorp Genetics (formerly Invitae), Labcorp
Classification: Uncertain significance for TMEM165-congenital disorder of glycosylation. Last evaluated: 2023-08-17. Review status: criteria provided, single submitter. Criteria: Invitae Variant Classification Sherloc (09022015). Collection method: clinical testing. Allele origin: germline.
Comment: This sequence change replaces threonine, which is neutral and polar, with isoleucine, which is neutral and non-polar, at codon 244 of the TMEM165 protein (p.Thr244Ile). In summary, the available evidence is currently insufficient to determine the role of this variant in disease. Therefore, it has been classified as a Variant of Uncertain Significance. Advanced modeling of protein sequence and biophysical properties (such as structural, functional, and spatial information, amino acid conservation, physicochemical variation, residue mobility, and thermodynamic stability) has been performed at Invitae for this missense variant, however the output from this modeling did not meet the statistical confidence thresholds required to predict the impact of this variant on TMEM165 protein function. ClinVar contains an entry for this variant (Variation ID: 1503858). This variant has not been reported in the literature in individuals affected with TMEM165-related conditions. This variant is present in population databases (rs371595670, gnomAD 0.006%).

Ambry Genetics
Classification: Uncertain significance. Last evaluated: 2021-12-16. Review status: criteria provided, single submitter. Criteria: Ambry Variant Classification Scheme 2023. Collection method: clinical testing. Allele origin: germline.